The following is an entry in ClinVar:

NM_005896.4(IDH1):c.778A>G (p.Lys260Glu)

Gene: IDH1 (isocitrate dehydrogenase (NADP(+)) 1; minus strand). Cytogenetic location: 2q34.
Variant type: single nucleotide variant.
Coding change: c.778A>G on transcript NM_005896.4 (MANE Select); coding-DNA position 778, A replaced by G.
Protein change: p.Lys260Glu; replaces lysine 260 with glutamic acid.
Molecular consequence: missense variant.
Genome position (GRCh38, 1-based): chr2:208,242,066, T>C on the plus strand (A>G on the coding strand, the complement: IDH1 is on the minus strand). VCF-style: chr2-208242066-T-C. GRCh37 (hg19) VCF-style: chr2-209106790-T-C.
Other names: c.778A>G, p.Lys260Glu (NM_001282386.1, NM_001282387.1); short protein forms K260E.
Identifiers: ClinVar variation 3527522 (VCV003527522.1).

ClinVar aggregate classification (germline): Uncertain significance (1 of 4 stars; one submission).

Submission:

Ambry Genetics
Classification: Uncertain significance. Last evaluated: 2024-11-16. Review status: criteria provided, single submitter. Criteria: Ambry Variant Classification Scheme 2023. Collection method: clinical testing. Allele origin: germline.
Comment: The p.K260E variant (also known as c.778A>G), located in coding exon 5 of the IDH1 gene, results from an A to G substitution at nucleotide position 778. The lysine at codon 260 is replaced by glutamic acid, an amino acid with similar properties. This amino acid position is conserved. In addition, this alteration is predicted to be deleterious by in silico analysis. Based on the available evidence, the clinical significance of this variant remains unclear.